The following is an entry in ClinVar:

ClinVar aggregate classification (germline): Likely benign (1 of 4 stars; one submission).

Submission:

CeGaT Center for Human Genetics Tuebingen
Classification: Likely benign. Last evaluated: 2022-07-01. Review status: criteria provided, single submitter. Criteria: CeGaT Center For Human Genetics Tuebingen Variant Classification Criteria Version 2. Collection method: clinical testing. Allele origin: germline. Affected: yes. Observed: 1 variant allele.
Comment: ALDH18A1: PM2:Supporting, BP4, BP7

NM_002860.4(ALDH18A1):c.1482T>C (p.Ala494=)

Gene: ALDH18A1 (aldehyde dehydrogenase 18 family member A1; minus strand). Cytogenetic location: 10q24.1.
Variant type: single nucleotide variant.
Coding change: c.1482T>C on transcript NM_002860.4 (MANE Select); coding-DNA position 1482, T replaced by C.
Protein change: p.Ala494=; no amino-acid change (alanine 494 retained).
Molecular consequence: synonymous variant.
Genome position (GRCh38, 1-based): chr10:95,616,600, A>G on the plus strand (T>C on the coding strand, the complement: ALDH18A1 is on the minus strand). VCF-style: chr10-95616600-A-G. GRCh37 (hg19) VCF-style: chr10-97376357-A-G.
Other names: c.1476T>C, p.Ala492= (NM_001017423.2, NM_001323415.2); c.1149T>C, p.Ala383= (NM_001323412.2, NM_001323416.2); c.1482T>C, p.Ala494= (NM_001323413.2, NM_001323414.2); c.1377T>C, p.Ala459= (NM_001323417.2); c.1143T>C, p.Ala381= (NM_001323418.2); c.846T>C, p.Ala282= (NM_001323419.2).
Identifiers: ClinVar variation 2640712 (VCV002640712.24), dbSNP rs2526750226, ClinGen allele CA471028209.